The following is an entry in ClinVar:

NM_016013.4(NDUFAF1):c.909G>A (p.Val303=)

Gene: NDUFAF1 (NADH:ubiquinone oxidoreductase complex assembly factor 1; minus strand). Cytogenetic location: 15q15.1.
Variant type: single nucleotide variant.
Coding change: c.909G>A on transcript NM_016013.4 (MANE Select); coding-DNA position 909, G replaced by A.
Protein change: p.Val303=; no amino-acid change (valine 303 retained).
Molecular consequence: synonymous variant. On other transcripts: non-coding transcript variant (1).
Genome position (GRCh38, 1-based): chr15:41,387,519, C>T on the plus strand (G>A on the coding strand, the complement: NDUFAF1 is on the minus strand). VCF-style: chr15-41387519-C-T. GRCh37 (hg19) VCF-style: chr15-41679717-C-T.
Identifiers: ClinVar variation 315875 (VCV000315875.19), dbSNP rs73407109, ClinGen allele CA7491196.

ClinVar aggregate classification (germline): Benign. Review status: criteria provided, multiple submitters, no conflicts (2 of 4 stars). 5 submissions from 5 submitters: Benign (4). 1 of the submissions does not count toward it. Last evaluated 2026-02-03.

Conditions:
Mitochondrial complex I deficiency, nuclear type 1. Also called: NADH-COENZYME Q REDUCTASE DEFICIENCY; MITOCHONDRIAL NADH DEHYDROGENASE COMPONENT OF COMPLEX I, DEFICIENCY OF. Identifiers: MedGen C6022305, MONDO:0100224, OMIM 252010.

Allele frequency attached by ClinVar (database versions not stated): gnomAD exomes 0.05698 and 0.06800; ExAC 0.06880; ESP Exome Variant Server 0.08588; gnomAD 0.08760 and 0.08960; TOPMed 0.09452; 1000 Genomes Project 0.09565; 1000 Genomes Project 30x 0.09697.
gnomAD v4.1: 96,550 of 1,613,042 alleles (6%); highest among the groups gnomAD compares: African/African-American, 16%; 3,747 homozygotes.

Submissions (5):

Labcorp Genetics (formerly Invitae), Labcorp
Classification: Benign. Last evaluated: 2026-02-03. Review status: criteria provided, single submitter. Criteria: Invitae Variant Classification Sherloc (09022015). Collection method: clinical testing. Allele origin: germline.

Illumina Laboratory Services, Illumina
Classification: Benign for Mitochondrial complex I deficiency, nuclear type 1. Last evaluated: 2018-01-12. Review status: criteria provided, single submitter. Criteria: ICSL Variant Classification Criteria 13 December 2019. Collection method: clinical testing. Allele origin: germline.
Comment: This variant was observed in the ICSL laboratory as part of a predisposition screen in an ostensibly healthy population. It had not been previously curated by ICSL or reported in the Human Gene Mutation Database (HGMD: prior to June 1st, 2018), and was therefore a candidate for classification through an automated scoring system. Utilizing variant allele frequency, disease prevalence and penetrance estimates, and inheritance mode, an automated score was calculated to assess if this variant is too frequent to cause the disease. Based on the score and internal cut-off values, a variant classified as benign is not then subjected to further curation. The score for this variant resulted in a classification of benign for this disease.

GeneDx
Classification: Benign. Last evaluated: 2015-03-03. Review status: criteria provided, single submitter. Criteria: GeneDx Variant Classification Process June 2021. Collection method: clinical testing. Allele origin: germline. Affected: yes.

Breakthrough Genomics
Classification: Benign. Review status: criteria provided, single submitter. Criteria: ACMG Guidelines, 2015. Collection method: not provided. Allele origin: germline. Inheritance: Autosomal recessive inheritance. Affected: yes.

Mayo Clinic Laboratories, Mayo Clinic
Classification: Benign. Last evaluated: 2016-02-25. Review status: no assertion criteria provided. Collection method: clinical testing. Allele origin: unknown. Not counted in ClinVar's aggregate classification.